The following is an entry in ClinVar:

NM_014946.4(SPAST):c.1217T>C (p.Ile406Thr)

Gene: SPAST (spastin; plus strand). Cytogenetic location: 2p22.3.
Variant type: single nucleotide variant.
Coding change: c.1217T>C on transcript NM_014946.4 (MANE Select); coding-DNA position 1217, T replaced by C.
Protein change: p.Ile406Thr; replaces isoleucine 406 with threonine.
Molecular consequence: missense variant.
Genome position (GRCh38, 1-based): chr2:32,128,451, T>C. VCF-style: chr2-32128451-T-C. GRCh37 (hg19) VCF-style: chr2-32353520-T-C.
Other names: c.1214T>C, p.Ile405Thr (NM_001363823.2); c.1118T>C, p.Ile373Thr (NM_001363875.2); c.1121T>C, p.Ile374Thr (NM_001377959.1, NM_199436.2); short protein forms I406T, I374T, I373T, I405T.
Identifiers: ClinVar variation 468563 (VCV000468563.8), dbSNP rs1553317038, ClinGen allele CA346501456.

ClinVar aggregate classification (germline): Uncertain significance (1 of 4 stars; one submission).

Conditions:
Hereditary spastic paraplegia 4. Also called: Spastic paraplegia 4, autosomal dominant; Familial spastic paraplegia autosomal dominant 2; Spastic Paraplegia 4. Identifiers: Orphanet 100985, MedGen C1866855, MONDO:0008438, OMIM 182601.

Submission:

Labcorp Genetics (formerly Invitae), Labcorp
Classification: Uncertain significance for Hereditary spastic paraplegia 4. Last evaluated: 2025-04-02. Review status: criteria provided, single submitter. Criteria: Invitae Variant Classification Sherloc (09022015). Collection method: clinical testing. Allele origin: germline.
Comment: This sequence change replaces isoleucine, which is neutral and non-polar, with threonine, which is neutral and polar, at codon 406 of the SPAST protein (p.Ile406Thr). This variant is not present in population databases (gnomAD no frequency). This missense change has been observed in individual(s) with hereditary spastic paraplegia (internal data). ClinVar contains an entry for this variant (Variation ID: 468563). Invitae Evidence Modeling of protein sequence and biophysical properties (such as structural, functional, and spatial information, amino acid conservation, physicochemical variation, residue mobility, and thermodynamic stability) indicates that this missense variant is expected to disrupt SPAST protein function with a positive predictive value of 80%. This variant disrupts the p.Ile406 amino acid residue in SPAST. Other variant(s) that disrupt this residue have been determined to be pathogenic (PMID: 16476945, 16682546, 19423133). This suggests that this residue is clinically significant, and that variants that disrupt this residue are likely to be disease-causing. In summary, the available evidence is currently insufficient to determine the role of this variant in disease. Therefore, it has been classified as a Variant of Uncertain Significance.

Literature cited by the submitters: PubMed 16476945; PubMed 16682546; PubMed 19423133.